The following is an entry in ClinVar:

ClinVar aggregate classification (germline): Uncertain significance (1 of 4 stars; one submission).

Conditions:
Inborn genetic diseases. Identifiers: MedGen C0950123, MeSH D030342.

Submission:

Ambry Genetics
Classification: Uncertain significance for Inborn genetic diseases. Last evaluated: 2023-09-21. Review status: criteria provided, single submitter. Criteria: Ambry Variant Classification Scheme 2023. Collection method: clinical testing. Allele origin: germline.
Comment: The p.S2235C variant (also known as c.6704C>G), located in coding exon 40 of the ATR gene, results from a C to G substitution at nucleotide position 6704. The serine at codon 2235 is replaced by cysteine, an amino acid with dissimilar properties. This amino acid position is conserved. In addition, this alteration is predicted to be tolerated by in silico analysis. Since supporting evidence is limited at this time, the clinical significance of this alteration remains unclear.

NM_001184.4(ATR):c.6704C>G (p.Ser2235Cys)

Gene: ATR (ATR checkpoint kinase; minus strand). Cytogenetic location: 3q23.
Variant type: single nucleotide variant.
Coding change: c.6704C>G on transcript NM_001184.4 (MANE Select); coding-DNA position 6704, C replaced by G.
Protein change: p.Ser2235Cys; replaces serine 2235 with cysteine.
Molecular consequence: missense variant.
Genome position (GRCh38, 1-based): chr3:142,466,517, G>C on the plus strand (C>G on the coding strand, the complement: ATR is on the minus strand). VCF-style: chr3-142466517-G-C. GRCh37 (hg19) VCF-style: chr3-142185359-G-C.
Other names: c.6512C>G, p.Ser2171Cys (NM_001354579.2); short protein forms S2171C, S2235C.
Identifiers: ClinVar variation 3221263 (VCV003221263.1), dbSNP rs2071135120, ClinGen allele CA354802278.